The following is an entry in ClinVar:

ClinVar aggregate classification (germline): Uncertain significance (1 of 4 stars; one submission).

Allele frequency attached by ClinVar (database versions not stated): TOPMed below 0.00001; gnomAD 0.00001.
gnomAD v4.1: 7 of 1,614,042 alleles (0.00043%); highest among the groups gnomAD compares: East Asian, 0.0022%; no homozygotes.

Submission:

Labcorp Genetics (formerly Invitae), Labcorp
Classification: Uncertain significance. Last evaluated: 2025-09-10. Review status: criteria provided, single submitter. Criteria: Invitae Variant Classification Sherloc (09022015). Collection method: clinical testing. Allele origin: germline.
Comment: This sequence change replaces arginine, which is basic and polar, with glutamine, which is neutral and polar, at codon 230 of the SIAE protein (p.Arg230Gln). This variant is present in population databases (rs771162942, gnomAD 0.01%). This variant has not been reported in the literature in individuals affected with SIAE-related conditions. ClinVar contains an entry for this variant (Variation ID: 1506216). An algorithm developed to predict the effect of missense changes on protein structure and function (PolyPhen-2) suggests that this variant is likely to be tolerated. In summary, the available evidence is currently insufficient to determine the role of this variant in disease. Therefore, it has been classified as a Variant of Uncertain Significance.

NM_170601.5(SIAE):c.689G>A (p.Arg230Gln)

Gene: SIAE (sialic acid acetylesterase; minus strand). Cytogenetic location: 11q24.2.
Variant type: single nucleotide variant.
Coding change: c.689G>A on transcript NM_170601.5 (MANE Select); coding-DNA position 689, G replaced by A.
Protein change: p.Arg230Gln; replaces arginine 230 with glutamine.
Molecular consequence: missense variant.
Genome position (GRCh38, 1-based): chr11:124,649,652, C>T on the plus strand (G>A on the coding strand, the complement: SIAE is on the minus strand). VCF-style: chr11-124649652-C-T. GRCh37 (hg19) VCF-style: chr11-124519548-C-T.
Other names: c.584G>A, p.Arg195Gln (NM_001199922.2); short protein forms R195Q, R230Q.
Identifiers: ClinVar variation 1506216 (VCV001506216.6), dbSNP rs771162942, ClinGen allele CA6341440.